The following is an entry in ClinVar:

ClinVar aggregate classification (germline): Uncertain significance (1 of 4 stars; one submission).

Conditions:
Early-onset Lafora body disease. Also called: Epilepsy, progressive myoclonic, 10. Identifiers: Orphanet 324290, MedGen C4225258, MONDO:0014717, OMIM 616640.

Submission:

Labcorp Genetics (formerly Invitae), Labcorp
Classification: Uncertain significance for Early-onset Lafora body disease. Last evaluated: 2019-06-19. Review status: criteria provided, single submitter. Criteria: Invitae Variant Classification Sherloc (09022015). Collection method: clinical testing. Allele origin: germline.
Comment: In summary, the available evidence is currently insufficient to determine the role of this variant in disease. Therefore, it has been classified as a Variant of Uncertain Significance. Experimental studies and prediction algorithms are not available or were not evaluated for this variant, and the functional significance of the affected amino acid(s) is currently unknown. This variant has not been reported in the literature in individuals with PRDM8-related conditions. The frequency data for this variant in the population databases is considered unreliable, as metrics indicate insufficient coverage at this position in the ExAC database. This sequence change results in a premature translational stop signal in the PRDM8 gene (p.Gln518*). While this is not anticipated to result in nonsense mediated decay, it is expected to disrupt the last 172 amino acids of the PRDM8 protein.

NM_001099403.2(PRDM8):c.1552C>T (p.Gln518Ter)

Genes: PRDM8 (PR/SET domain 8; plus strand), LOC129992745 (ATAC-STARR-seq lymphoblastoid silent region 15522; plus strand). Cytogenetic location: 4q21.21.
Variant type: single nucleotide variant.
Coding change: c.1552C>T on transcript NM_001099403.2 (MANE Select); coding-DNA position 1552, C replaced by T.
Protein change: p.Gln518Ter; replaces glutamine 518 with a stop codon.
Molecular consequence: nonsense.
Genome position (GRCh38, 1-based): chr4:80,203,014, C>T. VCF-style: chr4-80203014-C-T. GRCh37 (hg19) VCF-style: chr4-81124168-C-T.
Other names: c.1552C>T, p.Gln518Ter (NM_020226.4); short protein forms Q518*.
Identifiers: ClinVar variation 950793 (VCV000950793.8), dbSNP rs1738669010, ClinGen allele CA357401438.